The following is an entry in ClinVar:

ClinVar aggregate classification (germline): Likely pathogenic (1 of 4 stars; one submission).

Conditions:
Wilson disease (WND). Also called: Wilson's disease. Identifiers: Orphanet 905, MedGen C0019202, MONDO:0010200, OMIM 277900. Disease mechanism: loss of function.

Submission:

Myriad Genetics, Inc.
Classification: Likely pathogenic for Wilson disease. Last evaluated: 2026-01-02. Review status: criteria provided, single submitter. Criteria: Myriad Autosomal Dominant, Autosomal Recessive and X-Linked Classification Criteria (2023). Collection method: clinical testing. Allele origin: unknown.
Comment: NM_000053.3(ATP7B):c.4021G>C(G1341R) is a missense variant classified as likely pathogenic in the context of Wilson disease. G1341R has been observed in cases with relevant disease (PMID: 23885147, 21682854, 32618023). Relevant functional assessments of this variant are not available in the literature. Internal structural analysis of the variant is supportive of pathogenicity. G1341R has not been observed in referenced population frequency databases. In summary, NM_000053.3(ATP7B):c.4021G>C(G1341R) is a missense variant that has internal structural support for pathogenicity and has been observed more frequently in cases with the relevant disease than in healthy populations. Please note: this variant was assessed in the context of healthy population screening.

Literature cited by the submitters: PubMed 21682854; PubMed 23885147; PubMed 32618023.

NM_000053.4(ATP7B):c.4021G>C (p.Gly1341Arg)

Gene: ATP7B (ATPase copper transporting beta; minus strand). Cytogenetic location: 13q14.3.
Variant type: single nucleotide variant.
Coding change: c.4021G>C on transcript NM_000053.4 (MANE Select); coding-DNA position 4021, G replaced by C.
Protein change: p.Gly1341Arg; replaces glycine 1341 with arginine.
Molecular consequence: missense variant.
Genome position (GRCh38, 1-based): chr13:51,937,276, C>G on the plus strand (G>C on the coding strand, the complement: ATP7B is on the minus strand). VCF-style: chr13-51937276-C-G. GRCh37 (hg19) VCF-style: chr13-52511412-C-G.
Other names: c.3400G>C, p.Gly1134Arg (NM_001005918.3); c.3688G>C, p.Gly1230Arg (NM_001243182.2); c.3787G>C, p.Gly1263Arg (NM_001330578.2, NM_001406527.1, NM_001406528.1); c.3769G>C, p.Gly1257Arg (NM_001330579.2, NM_001406531.1, NM_001406532.1); c.4021G>C, p.Gly1341Arg (NM_001406511.1, NM_001406512.1); c.4015G>C, p.Gly1339Arg (NM_001406513.1); c.3988G>C, p.Gly1330Arg (NM_001406514.1); c.3967G>C, p.Gly1323Arg (NM_001406515.1, NM_001406516.1); and 21 more; short protein forms G1134R, G1147R, G1215R, G1228R, G1257R, G1276R, G1282R, G1293R.
Identifiers: ClinVar variation 5003218 (VCV005003218.1).